The following is an entry in ClinVar:

ClinVar aggregate classification (germline): Uncertain significance (1 of 4 stars; one submission).

Submission:

GeneDx
Classification: Uncertain significance. Last evaluated: 2025-03-13. Review status: criteria provided, single submitter. Criteria: GeneDx Variant Classification Process June 2021. Collection method: clinical testing. Allele origin: germline. Affected: yes.
Comment: Not observed at significant frequency in large population cohorts (gnomAD); In silico analysis supports that this missense variant has a deleterious effect on protein structure/function; Has not been previously published as pathogenic or benign to our knowledge

NM_013450.4(BAZ2B):c.6439G>A (p.Gly2147Ser)

Gene: BAZ2B (bromodomain adjacent to zinc finger domain 2B; minus strand). Cytogenetic location: 2q24.2.
Variant type: single nucleotide variant.
Coding change: c.6439G>A on transcript NM_013450.4 (MANE Select); coding-DNA position 6439, G replaced by A.
Protein change: p.Gly2147Ser; replaces glycine 2147 with serine.
Molecular consequence: missense variant.
Genome position (GRCh38, 1-based): chr2:159,320,333, C>T on the plus strand (G>A on the coding strand, the complement: BAZ2B is on the minus strand). VCF-style: chr2-159320333-C-T. GRCh37 (hg19) VCF-style: chr2-160176844-C-T.
Other names: c.6331G>A, p.Gly2111Ser (NM_001289975.1); c.6382G>A, p.Gly2128Ser (NM_001329857.2); c.6364G>A, p.Gly2122Ser (NM_001329858.2); short protein forms G2111S, G2122S, G2128S, G2147S.
Identifiers: ClinVar variation 4083012 (VCV004083012.1).